The following is an entry in ClinVar:

NM_015175.3(NBEAL2):c.5301+11C>T

Gene: NBEAL2 (neurobeachin like 2; plus strand). Cytogenetic location: 3p21.31.
Variant type: single nucleotide variant.
Coding change: c.5301+11C>T on transcript NM_015175.3 (MANE Select); 11 bases into the intron after coding-DNA position 5301, C replaced by T.
Molecular consequence: intron variant.
Genome position (GRCh38, 1-based): chr3:47,002,531, C>T. VCF-style: chr3-47002531-C-T. GRCh37 (hg19) VCF-style: chr3-47044021-C-T.
Other names: c.5199+11C>T (NM_001365116.2).
Identifiers: ClinVar variation 345672 (VCV000345672.8), dbSNP rs201354947, ClinGen allele CA2361490.

ClinVar aggregate classification (germline): Benign/Likely benign. Review status: criteria provided, multiple submitters, no conflicts (2 of 4 stars). 4 submissions from 4 submitters: Benign (1); Likely benign (3). Last evaluated 2024-11-26.

Conditions:
Gray platelet syndrome (GPS). Also called: BLEEDING DISORDER, PLATELET-TYPE, 4. Identifiers: Orphanet 721, MedGen C0272302, MONDO:0007686, OMIM 139090.

Allele frequency attached by ClinVar (database versions not stated): 1000 Genomes Project 30x 0.00125; 1000 Genomes Project 0.00140; TOPMed 0.00222; ESP Exome Variant Server 0.00241; gnomAD 0.00273 and 0.00274; gnomAD exomes 0.00307; ExAC 0.00346.
gnomAD v4.1: 5,302 of 1,611,862 alleles (0.33%); highest among the groups gnomAD compares: Non-Finnish European, 0.37%; 16 homozygotes.

Submissions (4):

Blueprint Genetics
Classification: Likely benign. Last evaluated: 2024-11-26. Review status: criteria provided, single submitter. Criteria: ACMG Guidelines, 2015. Collection method: clinical testing. Allele origin: germline.

Women's Health and Genetics/Laboratory Corporation of America, LabCorp
Classification: Benign. Last evaluated: 2024-06-14. Review status: criteria provided, single submitter. Criteria: LabCorp Variant Classification Summary - May 2015. Collection method: clinical testing. Allele origin: germline.
Comment: Variant summary: NBEAL2 c.5301+11C>T alters a non-conserved nucleotide located at a position not widely known to affect splicing. Consensus agreement among computation tools predict no significant impact on normal splicing. However, these predictions have yet to be confirmed by functional studies. The variant allele was found at a frequency of 0.0031 in 245674 control chromosomes, predominantly at a frequency of 0.0041 within the Non-Finnish European subpopulation in the gnomAD database, including 1 homozygote. To our knowledge, no occurrence of c.5301+11C>T in individuals affected with Gray Platelet Syndrome and no experimental evidence demonstrating its impact on protein function have been reported. ClinVar contains an entry for this variant (Variation ID: 345672). Based on the evidence outlined above, the variant was classified as benign.

Illumina Laboratory Services, Illumina
Classification: Likely benign for Gray platelet syndrome. Last evaluated: 2018-01-13. Review status: criteria provided, single submitter. Criteria: ICSL Variant Classification Criteria 13 December 2019. Collection method: clinical testing. Allele origin: germline.
Comment: This variant was observed in the ICSL laboratory as part of a predisposition screen in an ostensibly healthy population. It had not been previously curated by ICSL or reported in the Human Gene Mutation Database (HGMD: prior to June 1st, 2018), and was therefore a candidate for classification through an automated scoring system. Utilizing variant allele frequency, disease prevalence and penetrance estimates, and inheritance mode, an automated score was calculated to assess if this variant is too frequent to cause the disease. Based on the score and internal cut-off values, a variant classified as likely benign is not then subjected to further curation. The score for this variant resulted in a classification of likely benign for this disease.

Breakthrough Genomics
Classification: Likely benign. Review status: criteria provided, single submitter. Criteria: ACMG Guidelines, 2015. Collection method: not provided. Allele origin: germline. Inheritance: Autosomal recessive inheritance. Affected: yes.